The following is an entry in ClinVar:

NM_020745.4(AARS2):c.455C>G (p.Ala152Gly)

Gene: AARS2 (alanyl-tRNA synthetase 2, mitochondrial; minus strand). Cytogenetic location: 6p21.1.
Variant type: single nucleotide variant.
Coding change: c.455C>G on transcript NM_020745.4 (MANE Select); coding-DNA position 455, C replaced by G.
Protein change: p.Ala152Gly; replaces alanine 152 with glycine.
Molecular consequence: missense variant.
Genome position (GRCh38, 1-based): chr6:44,311,516, G>C on the plus strand (C>G on the coding strand, the complement: AARS2 is on the minus strand). VCF-style: chr6-44311516-G-C. GRCh37 (hg19) VCF-style: chr6-44279253-G-C.
Other names: short protein forms A152G.
Identifiers: ClinVar variation 1367338 (VCV001367338.7), dbSNP rs2153357333, ClinGen allele CA364341396.

ClinVar aggregate classification (germline): Uncertain significance (1 of 4 stars; one submission).

Submission:

Labcorp Genetics (formerly Invitae), Labcorp
Classification: Uncertain significance. Last evaluated: 2023-11-27. Review status: criteria provided, single submitter. Criteria: Invitae Variant Classification Sherloc (09022015). Collection method: clinical testing. Allele origin: germline.
Comment: This sequence change replaces alanine, which is neutral and non-polar, with glycine, which is neutral and non-polar, at codon 152 of the AARS2 protein (p.Ala152Gly). This variant is not present in population databases (gnomAD no frequency). This variant has not been reported in the literature in individuals affected with AARS2-related conditions. ClinVar contains an entry for this variant (Variation ID: 1367338). Advanced modeling of protein sequence and biophysical properties (such as structural, functional, and spatial information, amino acid conservation, physicochemical variation, residue mobility, and thermodynamic stability) performed at Invitae indicates that this missense variant is not expected to disrupt AARS2 protein function with a negative predictive value of 80%. In summary, the available evidence is currently insufficient to determine the role of this variant in disease. Therefore, it has been classified as a Variant of Uncertain Significance.